The following is an entry in ClinVar:

NM_001035.3(RYR2):c.167A>C (p.Lys56Thr)

Gene: RYR2 (ryanodine receptor 2; plus strand). Cytogenetic location: 1q43.
Variant type: single nucleotide variant.
Coding change: c.167A>C on transcript NM_001035.3 (MANE Select); coding-DNA position 167, A replaced by C.
Protein change: p.Lys56Thr; replaces lysine 56 with threonine.
Molecular consequence: missense variant.
Genome position (GRCh38, 1-based): chr1:237,270,615, A>C. VCF-style: chr1-237270615-A-C. GRCh37 (hg19) VCF-style: chr1-237433915-A-C.
Other names: short protein forms K56T.
Identifiers: ClinVar variation 1172272 (VCV001172272.2), dbSNP rs2149347249, ClinGen allele CA345654514.

ClinVar aggregate classification (germline): Uncertain significance (1 of 4 stars; one submission).

Conditions:
Cardiomyopathy (CMYO). Also called: Cardiomyopathies. Identifiers: Orphanet 167848, MedGen C0878544, MONDO:0004994, HP:0001638. Inheritance: Various modes of inheritance.

Submission:

Color Diagnostics, LLC DBA Color Health
Classification: Uncertain significance for Cardiomyopathy. Last evaluated: 2020-12-02. Review status: criteria provided, single submitter. Criteria: ACMG Guidelines, 2015. Collection method: clinical testing. Allele origin: germline.
Comment: This missense variant replaces lysine with threonine at codon 56 of the RYR2 protein. Computational prediction is inconclusive regarding the impact of this variant on protein structure and function (internally defined REVEL score threshold 0.5 < inconclusive < 0.7, PMID: 27666373). To our knowledge, functional studies have not been reported for this variant. This variant has not been reported in individuals affected with cardiovascular disorders in the literature. This variant has not been identified in the general population by the Genome Aggregation Database (gnomAD). The available evidence is insufficient to determine the role of this variant in disease conclusively. Therefore, this variant is classified as a Variant of Uncertain Significance.